The following is an entry in ClinVar:

NM_001330078.2(NRXN1):c.2329A>C (p.Lys777Gln)

Gene: NRXN1 (neurexin 1; minus strand). Cytogenetic location: 2p16.3.
Variant type: single nucleotide variant.
Coding change: c.2329A>C on transcript NM_001330078.2 (MANE Select); coding-DNA position 2329, A replaced by C.
Protein change: p.Lys777Gln; replaces lysine 777 with glutamine.
Molecular consequence: missense variant.
Genome position (GRCh38, 1-based): chr2:50,531,245, T>G on the plus strand (A>C on the coding strand, the complement: NRXN1 is on the minus strand). VCF-style: chr2-50531245-T-G. GRCh37 (hg19) VCF-style: chr2-50758383-T-G.
Other names: c.2449A>C, p.Lys817Gln (NM_001135659.3); c.2305A>C, p.Lys769Gln (NM_001330077.2, NM_001330082.2, NM_001330095.2); c.2290A>C, p.Lys764Gln (NM_001330083.2, NM_001330084.2); c.2329A>C, p.Lys777Gln (NM_001330085.2, NM_001330086.2, NM_004801.6); c.2245A>C, p.Lys749Gln (NM_001330087.2, NM_001330096.2); c.2275A>C, p.Lys759Gln (NM_001330088.2); c.2326A>C, p.Lys776Gln (NM_001330093.2); c.2317A>C, p.Lys773Gln (NM_001330094.2); short protein forms K749Q, K759Q, K764Q, K769Q, K773Q, K776Q, K777Q, K817Q.
Identifiers: ClinVar variation 1714523 (VCV001714523.6), dbSNP rs2465578915, ClinGen allele CA346769437.
Genomic context (GRCh38, chr2:50,531,245, plus strand): 5'-AGTAAAAAAGTGTTAGTTCAATGGGGGAAGGCAGGTTGTTACCTAGATTGACCGTCAGTT[T>G]CACACGTCCTGCGTCTAGCTCCAGGCGGAGGGTGTCAGCAGAGTCTCTAGAAGTGGTTGC-3'
Protein context (NP_001317007.1, residues 767-787): LRLELDAGRV[Lys777Gln]LTVNLDCIRI

ClinVar aggregate classification (germline): Uncertain significance (1 of 4 stars; one submission).

Conditions:
Pitt-Hopkins-like syndrome 2 (PTHSL2). Identifiers: Orphanet 221150, Orphanet 600663, MedGen C3280479, MONDO:0013690, OMIM 614325.

Submission:

Labcorp Genetics (formerly Invitae), Labcorp
Classification: Uncertain significance for Pitt-Hopkins-like syndrome 2. Last evaluated: 2025-01-06. Review status: criteria provided, single submitter. Criteria: Invitae Variant Classification Sherloc (09022015). Collection method: clinical testing. Allele origin: germline.
Comment: This sequence change replaces lysine, which is basic and polar, with glutamine, which is neutral and polar, at codon 817 of the NRXN1 protein (p.Lys817Gln). This variant is not present in population databases (gnomAD no frequency). This variant has not been reported in the literature in individuals affected with NRXN1-related conditions. ClinVar contains an entry for this variant (Variation ID: 1714523). An algorithm developed to predict the effect of missense changes on protein structure and function (PolyPhen-2) suggests that this variant is likely to be disruptive. In summary, the available evidence is currently insufficient to determine the role of this variant in disease. Therefore, it has been classified as a Variant of Uncertain Significance.